The following is an entry in ClinVar:

ClinVar aggregate classification (germline): Uncertain significance (1 of 4 stars; one submission).

Submission:

Women's Health and Genetics/Laboratory Corporation of America, LabCorp
Classification: Uncertain significance. Last evaluated: 2024-01-05. Review status: criteria provided, single submitter. Criteria: LabCorp Variant Classification Summary - May 2015. Collection method: clinical testing. Allele origin: germline.
Comment: Variant summary: MACF1 c.4004A>G (p.Gln1335Arg) results in a conservative amino acid change in the encoded protein sequence. Five of five in-silico tools predict a benign effect of the variant on protein function. The variant was absent in 250572 control chromosomes. The available data on variant occurrences in the general population are insufficient to allow any conclusion about variant significance. To our knowledge, no occurrence of c.4004A>G in individuals affected with Lissencephaly 9 With Complex Brainstem Malformation and no experimental evidence demonstrating its impact on protein function have been reported. No submitters have cited clinical-significance assessments for this variant to ClinVar. Based on the evidence outlined above, the variant was classified as uncertain significance.

NM_001394062.1(MACF1):c.3989A>G (p.Gln1330Arg)

Gene: MACF1 (microtubule actin crosslinking factor 1; plus strand). Cytogenetic location: 1p34.3.
Variant type: single nucleotide variant.
Coding change: c.3989A>G on transcript NM_001394062.1 (MANE Select); coding-DNA position 3989, A replaced by G.
Protein change: p.Gln1330Arg; replaces glutamine 1330 with arginine.
Molecular consequence: missense variant.
Genome position (GRCh38, 1-based): chr1:39,319,707, A>G. VCF-style: chr1-39319707-A-G. GRCh37 (hg19) VCF-style: chr1-39785379-A-G.
Other names: c.4004A>G, p.Gln1335Arg (NM_012090.5); short protein forms Q1330R, Q1335R.
Identifiers: ClinVar variation 3063785 (VCV003063785.1), dbSNP rs2521859630, ClinGen allele CA339789647.